The following is an entry in ClinVar:

NM_004985.5(KRAS):c.-3A>G

Gene: KRAS (KRAS proto-oncogene, GTPase; minus strand). Cytogenetic location: 12p12.1.
Variant type: single nucleotide variant.
Coding change: c.-3A>G on transcript NM_004985.5 (MANE Select); 3 bases upstream of the start codon, A replaced by G.
Molecular consequence: 5 prime UTR variant.
Genome position (GRCh38, 1-based): chr12:25,245,387, T>C on the plus strand (A>G on the coding strand, the complement: KRAS is on the minus strand). VCF-style: chr12-25245387-T-C. GRCh37 (hg19) VCF-style: chr12-25398321-T-C.
Other names: c.-3A>G (NM_001369786.1, NM_001369787.1, NM_033360.4).
Identifiers: ClinVar variation 4687577 (VCV004687577.1).

ClinVar aggregate classification (germline): Uncertain significance (1 of 4 stars; one submission).

gnomAD v4.1: 17 of 1,608,266 alleles (0.0011%); highest among the groups gnomAD compares: Non-Finnish European, 0.0014%; no homozygotes.

Submission:

Women's Health and Genetics/Laboratory Corporation of America, LabCorp
Classification: Uncertain significance. Last evaluated: 2025-10-29. Review status: criteria provided, single submitter. Criteria: LabCorp Variant Classification Summary - May 2015. Collection method: clinical testing. Allele origin: germline.
Comment: Variant summary: KRAS c.-3A>G is located in the untranslated mRNA region upstream of the initiation codon. The variant allele was found at a frequency of 1.2e-05 in 241296 control chromosomes. The available data on variant occurrences in the general population are insufficient to allow any conclusion about variant significance. To our knowledge, no occurrence of c.-3A>G in individuals affected with KRAS-related conditions and no experimental evidence demonstrating its impact on protein function have been reported. No submitters have cited clinical-significance assessments for this variant to ClinVar. Based on the evidence outlined above, the variant was classified as uncertain significance.